The following is an entry in ClinVar:

ClinVar aggregate classification (germline): Uncertain significance. Review status: criteria provided, multiple submitters, no conflicts (2 of 4 stars). 4 submissions from 4 submitters: Uncertain significance (4). Last evaluated 2025-05-27.

Conditions:
Hereditary cancer-predisposing syndrome. Also called: Tumor predisposition; Hereditary neoplastic syndrome; Hereditary Cancer Syndrome; Neoplastic Syndromes, Hereditary. Identifiers: Orphanet 140162, MedGen C0027672, MeSH D009386, MONDO:0015356.

Submissions (4):

Ambry Genetics
Classification: Uncertain significance for Hereditary cancer-predisposing syndrome. Last evaluated: 2025-05-27. Review status: criteria provided, single submitter. Criteria: Ambry Variant Classification Scheme 2023. Collection method: clinical testing. Allele origin: germline.
Comment: The p.L1110I variant (also known as c.3328C>A), located in coding exon 27 of the POLE gene, results from a C to A substitution at nucleotide position 3328. The leucine at codon 1110 is replaced by isoleucine, an amino acid with highly similar properties. This amino acid position is highly conserved in available vertebrate species. In addition, this alteration is predicted to be tolerated by in silico analysis. Based on the available evidence, the clinical significance of this variant remains unclear.

Labcorp Genetics (formerly Invitae), Labcorp
Classification: Uncertain significance. Last evaluated: 2025-01-26. Review status: criteria provided, single submitter. Criteria: Invitae Variant Classification Sherloc (09022015). Collection method: clinical testing. Allele origin: germline.
Comment: This sequence change replaces leucine, which is neutral and non-polar, with isoleucine, which is neutral and non-polar, at codon 1110 of the POLE protein (p.Leu1110Ile). This variant is not present in population databases (gnomAD no frequency). This variant has not been reported in the literature in individuals affected with POLE-related conditions. ClinVar contains an entry for this variant (Variation ID: 473587). Invitae Evidence Modeling of protein sequence and biophysical properties (such as structural, functional, and spatial information, amino acid conservation, physicochemical variation, residue mobility, and thermodynamic stability) has been performed for this missense variant. However, the output from this modeling did not meet the statistical confidence thresholds required to predict the impact of this variant on POLE protein function. In summary, the available evidence is currently insufficient to determine the role of this variant in disease. Therefore, it has been classified as a Variant of Uncertain Significance.

Blueprint Genetics
Classification: Uncertain significance. Last evaluated: 2023-11-27. Review status: criteria provided, single submitter. Criteria: ACMG Guidelines, 2015. Collection method: clinical testing. Allele origin: germline.

GeneDx
Classification: Uncertain significance. Last evaluated: 2021-04-07. Review status: criteria provided, single submitter. Criteria: GeneDx Variant Classification Process June 2021. Collection method: clinical testing. Allele origin: germline. Affected: yes.
Comment: Not observed in large population cohorts (Lek 2016); In silico analysis supports that this missense variant does not alter protein structure/function; Has not been previously published as pathogenic or benign to our knowledge

NM_006231.4(POLE):c.3328C>A (p.Leu1110Ile)

Gene: POLE (DNA polymerase epsilon, catalytic subunit; minus strand). Cytogenetic location: 12q24.33.
Variant type: single nucleotide variant.
Coding change: c.3328C>A on transcript NM_006231.4 (MANE Select); coding-DNA position 3328, C replaced by A.
Protein change: p.Leu1110Ile; replaces leucine 1110 with isoleucine.
Molecular consequence: missense variant.
Genome position (GRCh38, 1-based): chr12:132,657,918, G>T on the plus strand (C>A on the coding strand, the complement: POLE is on the minus strand). VCF-style: chr12-132657918-G-T. GRCh37 (hg19) VCF-style: chr12-133234504-G-T.
Other names: c.3328C>A (NM_006231.2); short protein forms L1110I.
Identifiers: ClinVar variation 473587 (VCV000473587.14), dbSNP rs1555225317, ClinGen allele CA387389682.
Genomic context (GRCh38, chr12:132,657,918, plus strand): 5'-TGGCACTCACTGCTCGAATATCAAAGTCTTGAAGGGAAGAGCTCTTGAGCCATTTCCGGA[G>T]AAAGTGCTTCCTCACCGTGGGCTCTGCTTGGAAAATGGCAAGTGGGATGGCCCTGGGTAA-3'
Protein context (NP_006222.2, residues 1100-1120): QAEPTVRKHF[Leu1110Ile]RKWLKSSSLQ